The following is an entry in ClinVar:

NM_002471.4(MYH6):c.2929G>A (p.Val977Met)

Gene: MYH6 (myosin heavy chain 6; minus strand). Cytogenetic location: 14q11.2.
Variant type: single nucleotide variant.
Coding change: c.2929G>A on transcript NM_002471.4 (MANE Select); coding-DNA position 2929, G replaced by A.
Protein change: p.Val977Met; replaces valine 977 with methionine.
Molecular consequence: missense variant.
Genome position (GRCh38, 1-based): chr14:23,393,518, C>T on the plus strand (G>A on the coding strand, the complement: MYH6 is on the minus strand). VCF-style: chr14-23393518-C-T. GRCh37 (hg19) VCF-style: chr14-23862727-C-T.
Other names: short protein forms V977M.
Identifiers: ClinVar variation 470521 (VCV000470521.9), dbSNP rs141079114, ClinGen allele CA7115341.

ClinVar aggregate classification (germline): Uncertain significance. Review status: criteria provided, multiple submitters, no conflicts (2 of 4 stars). 2 submissions from 2 submitters: Uncertain significance (2). Last evaluated 2025-08-28.

Conditions:
Hypertrophic cardiomyopathy 14. Identifiers: MedGen C2750467, MONDO:0013197, OMIM 613251.
Cardiovascular phenotype. Identifiers: MedGen CN230736.

gnomAD v4.1: 4 of 1,614,070 alleles (0.00025%); highest among the groups gnomAD compares: South Asian, 0.0044%; no homozygotes.

Submissions (2):

Ambry Genetics
Classification: Uncertain significance for Cardiovascular phenotype. Last evaluated: 2025-08-28. Review status: criteria provided, single submitter. Criteria: Ambry Variant Classification Scheme 2023. Collection method: clinical testing. Allele origin: germline.
Comment: The p.V977M variant (also known as c.2929G>A) is located in coding exon 21 of the MYH6 gene. The valine at codon 977 is replaced by methionine, an amino acid with highly similar properties. This change occurs in the first base pair of coding exon 21. This amino acid position is conserved. In addition, the in silico prediction for this alteration is inconclusive. Based on the available evidence, the clinical significance of this variant remains unclear.

Labcorp Genetics (formerly Invitae), Labcorp
Classification: Uncertain significance for Hypertrophic cardiomyopathy 14. Last evaluated: 2017-06-27. Review status: criteria provided, single submitter. Criteria: Invitae Variant Classification Sherloc (09022015). Collection method: clinical testing. Allele origin: germline.
Comment: In summary, the available evidence is currently insufficient to determine the role of this variant in disease. Therefore, it has been classified as a Variant of Uncertain Significance. Algorithms developed to predict the effect of missense changes on protein structure and function do not agree on the potential impact of this missense change (SIFT: "Tolerated"; PolyPhen-2: "Probably Damaging"; Align-GVGD: "Class C0"). This variant has not been reported in the literature in individuals with MYH6-related disease. This variant is present in population databases (rs141079114, ExAC 0.01%). This sequence change replaces valine with methionine at codon 977 of the MYH6 protein (p.Val977Met). The valine residue is weakly conserved and there is a small physicochemical difference between valine and methionine.